The following is an entry in ClinVar:

ClinVar aggregate classification (germline): Uncertain significance. Review status: criteria provided, multiple submitters, no conflicts (2 of 4 stars). 2 submissions from 2 submitters: Uncertain significance (2). Last evaluated 2024-10-03.

Conditions:
Inborn genetic diseases. Identifiers: MedGen C0950123, MeSH D030342.

Allele frequency attached by ClinVar (database versions not stated): 1000 Genomes Project 30x 0.00016.
gnomAD v4.1: 392 of 1,613,626 alleles (0.024%); highest among the groups gnomAD compares: Admixed American, 0.033%; no homozygotes.

Submissions (2):

Blueprint Genetics
Classification: Uncertain significance. Last evaluated: 2024-10-03. Review status: criteria provided, single submitter. Criteria: ACMG Guidelines, 2015. Collection method: clinical testing. Allele origin: germline.

Ambry Genetics
Classification: Uncertain significance for Inborn genetic diseases. Last evaluated: 2018-05-31. Review status: criteria provided, single submitter. Criteria: Ambry Variant Classification Scheme 2023. Collection method: clinical testing. Allele origin: germline.
Comment: The p.G781E variant (also known as c.2342G>A), located in coding exon 23 of the CC2D1A gene, results from a G to A substitution at nucleotide position 2342. The glycine at codon 781 is replaced by glutamic acid, an amino acid with similar properties. This amino acid position is highly conserved in available vertebrate species. In addition, the in silico prediction for this alteration is inconclusive. Since supporting evidence is limited at this time, the clinical significance of this alteration remains unclear.

NM_017721.5(CC2D1A):c.2342G>A (p.Gly781Glu)

Gene: CC2D1A (coiled-coil and C2 domain containing 1A; plus strand). Cytogenetic location: 19p13.12.
Variant type: single nucleotide variant.
Coding change: c.2342G>A on transcript NM_017721.5 (MANE Select); coding-DNA position 2342, G replaced by A.
Protein change: p.Gly781Glu; replaces glycine 781 with glutamic acid.
Molecular consequence: missense variant.
Genome position (GRCh38, 1-based): chr19:13,927,918, G>A. VCF-style: chr19-13927918-G-A. GRCh37 (hg19) VCF-style: chr19-14038731-G-A.
Other names: c.2342G>A, p.Gly781Glu (NM_001411138.1); short protein forms G781E.
Identifiers: ClinVar variation 1789890 (VCV001789890.3), dbSNP rs77389229, ClinGen allele CA9245044.